The following is an entry in ClinVar:

ClinVar aggregate classification (germline): Likely benign. Review status: criteria provided, multiple submitters, no conflicts (2 of 4 stars). 4 submissions from 4 submitters: Likely benign (4). Last evaluated 2026-01-27.

Conditions:
Catecholaminergic polymorphic ventricular tachycardia 1. Also called: RYR2-Related Catecholaminergic Polymorphic Ventricular Tachycardia; VENTRICULAR TACHYCARDIA, CATECHOLAMINERGIC POLYMORPHIC, 1, WITH OR WITHOUT ATRIAL DYSFUNCTION AND/OR DILATED CARDIOMYOPATHY; VENTRICULAR TACHYCARDIA, STRESS-INDUCED POLYMORPHIC 1. Identifiers: Orphanet 3286, MedGen C1631597, MONDO:0011484, OMIM 604772.
Cardiovascular phenotype. Identifiers: MedGen CN230736.
Cardiomyopathy (CMYO). Also called: Cardiomyopathies. Identifiers: Orphanet 167848, MedGen C0878544, MONDO:0004994, HP:0001638. Inheritance: Various modes of inheritance.
Catecholaminergic polymorphic ventricular tachycardia (CVPT). Also called: Catecholamine-induced polymorphic ventricular tachycardia. Identifiers: Orphanet 3286, MedGen C5574922, MONDO:0017990.

Allele frequency attached by ClinVar (database versions not stated): TOPMed below 0.00001; gnomAD 0.00001; gnomAD exomes 0.00001 and 0.00002; ExAC 0.00003; 1000 Genomes Project 30x 0.00016; 1000 Genomes Project 0.00020.
gnomAD v4.1: 14 of 1,602,100 alleles (0.00087%); highest among the groups gnomAD compares: East Asian, 0.009%; no homozygotes.

Submissions (4):

Labcorp Genetics (formerly Invitae), Labcorp
Classification: Likely benign for Catecholaminergic polymorphic ventricular tachycardia 1. Last evaluated: 2026-01-27. Review status: criteria provided, single submitter. Criteria: Invitae Variant Classification Sherloc (09022015). Collection method: clinical testing. Allele origin: germline.

All of Us Research Program, National Institutes of Health
Classification: Likely benign for Catecholaminergic polymorphic ventricular tachycardia. Last evaluated: 2023-08-15. Review status: criteria provided, single submitter. Criteria: ACMG Guidelines, 2015. Collection method: clinical testing. Allele origin: germline. Inheritance: Autosomal dominant inheritance. Observed: 3 variant alleles, 3 heterozygotes.
Comment: This study involves interpretation of variants in research participants for the purpose of population health screening. Participant phenotype was not available at the time of variant classification. Additional details can be found in publication PMID: 35346344, PMCID: PMC8962531

Ambry Genetics
Classification: Likely benign for Cardiovascular phenotype. Last evaluated: 2020-08-25. Review status: criteria provided, single submitter. Criteria: Ambry Variant Classification Scheme 2023. Collection method: clinical testing. Allele origin: germline.

Color Diagnostics, LLC DBA Color Health
Classification: Likely benign for Cardiomyopathy. Last evaluated: 2018-10-16. Review status: criteria provided, single submitter. Criteria: ACMG Guidelines, 2015. Collection method: clinical testing. Allele origin: germline.

NM_001035.3(RYR2):c.6174G>A (p.Leu2058=)

Gene: RYR2 (ryanodine receptor 2; plus strand). Cytogenetic location: 1q43.
Variant type: single nucleotide variant.
Coding change: c.6174G>A on transcript NM_001035.3 (MANE Select); coding-DNA position 6174, G replaced by A.
Protein change: p.Leu2058=; no amino-acid change (leucine 2058 retained).
Molecular consequence: synonymous variant.
Genome position (GRCh38, 1-based): chr1:237,627,814, G>A. VCF-style: chr1-237627814-G-A. GRCh37 (hg19) VCF-style: chr1-237791114-G-A.
Other names: c.6174G>A, p.Leu2058= (LRG_402t1).
Identifiers: ClinVar variation 629585 (VCV000629585.13), dbSNP rs531705847, ClinGen allele CA087071.